The following is an entry in ClinVar:

ClinVar aggregate classification (germline): Conflicting classifications of pathogenicity. Review status: criteria provided, conflicting classifications (1 of 4 stars). 2 submissions from 2 submitters: Likely pathogenic (1); Uncertain significance (1). Last evaluated 2025-10-01.

Conditions:
POLR3B-related disorder. Also called: POLR3B-related condition; POLR3B-related disorders. Identifiers: MedGen CN378588, MONDO:0700277.

Submissions (2):

Victorian Clinical Genetics Services, Murdoch Childrens Research Institute
Classification: Likely pathogenic for POLR3B-related disorder. Last evaluated: 2025-10-01. Review status: criteria provided, single submitter. Criteria: ACMG Guidelines, 2015. Collection method: clinical testing. Allele origin: germline. Affected: yes.
Comment: This variant is classified as Likely pathogenic. Evidence in support of pathogenic classification: Variant is absent from gnomAD (v2, v3 and v4); Additional information: Variant is predicted to result in a missense amino acid change from Lys to Gln; This variant is heterozygous; This gene is associated with both recessive and dominant disease (OMIM); Alternative amino acid change(s) at the same position are present in gnomAD (v2: 1 heterozygote(s), 0 homozygote(s)); Previous evidence of pathogenicity for this variant is inconclusive. This variant has been classified as a VUS by a clinical laboratory in ClinVar, who observed it as de novo in an individual with developmental delay, epilepsy and eosinophilic esophagitis (personal communication); No published evidence of segregation with disease has been identified for this variant; No published functional evidence has been identified for this variant; No comparable missense variants have previous evidence for pathogenicity; Variant is not located in an established domain, motif, hotspot or informative constraint region; Missense variant with inconclusive in silico prediction and uninformative conservation; Loss of function is a known mechanism of disease in this gene and is associated with leukodystrophy, hypomyelinating, 8, with or without oligodontia and/or hypogonadotropic hypogonadism (MIM#614381). Dominant negative is a suspected mechanism of disease for this gene and is associated with Charcot-Marie-Tooth disease, demyelinating, type 1I (MIM#619742) (PMID: 33417887); Variants in this gene are known to have variable expressivity (OMIM).

GeneDx
Classification: Uncertain significance. Last evaluated: 2024-04-21. Review status: criteria provided, single submitter. Criteria: GeneDx Variant Classification Process June 2021. Collection method: clinical testing. Allele origin: germline. Affected: yes.
Comment: Not observed at significant frequency in large population cohorts (gnomAD); In silico analysis supports that this missense variant has a deleterious effect on protein structure/function; Has not been previously published as pathogenic or benign to our knowledge

Literature cited by the submitters: PubMed 33417887 (cited by Victorian Clinical Genetics Services, Murdoch Childrens Research Institute).

NM_018082.6(POLR3B):c.1288A>C (p.Lys430Gln)

Gene: POLR3B (RNA polymerase III subunit B; plus strand). Cytogenetic location: 12q23.3.
Variant type: single nucleotide variant.
Coding change: c.1288A>C on transcript NM_018082.6 (MANE Select); coding-DNA position 1288, A replaced by C.
Protein change: p.Lys430Gln; replaces lysine 430 with glutamine.
Molecular consequence: missense variant.
Genome position (GRCh38, 1-based): chr12:106,430,297, A>C. VCF-style: chr12-106430297-A-C. GRCh37 (hg19) VCF-style: chr12-106824075-A-C.
Other names: c.1114A>C, p.Lys372Gln (NM_001160708.2); short protein forms K372Q, K430Q.
Identifiers: ClinVar variation 3372808 (VCV003372808.3).